The following is an entry in ClinVar:

ClinVar aggregate classification (germline): Uncertain significance. Review status: criteria provided, multiple submitters, no conflicts (2 of 4 stars). 4 submissions from 4 submitters: Uncertain significance (4). Last evaluated 2026-04-27.

Conditions:
NF1-related disorder. Also called: NF1-related condition. Identifiers: MedGen CN379171.
Neurofibromatosis, type 1 (NF1). Also called: Peripheral type neurofibromatosis; Neurofibromatosis, type I; NEUROFIBROMATOSIS, TYPE I, SOMATIC; VON RECKLINGHAUSEN DISEASE. Identifiers: Orphanet 636, MedGen C0027831, MONDO:0018975, OMIM 162200. Disease mechanism: loss of function.
Hereditary cancer-predisposing syndrome. Also called: Neoplastic Syndromes, Hereditary; Tumor predisposition; Hereditary Cancer Syndrome; Hereditary neoplastic syndrome. Identifiers: Orphanet 140162, MedGen C0027672, MeSH D009386, MONDO:0015356.
Cardiovascular phenotype. Identifiers: MedGen CN230736.

Allele frequency attached by ClinVar (database versions not stated): gnomAD exomes below 0.00001; TOPMed 0.00001.
gnomAD v4.1: 4 of 1,614,154 alleles (0.00025%); highest among the groups gnomAD compares: Non-Finnish European, 0.00034%; no homozygotes.

Submissions (4):

GeneDx
Classification: Uncertain significance. Last evaluated: 2026-04-27. Review status: criteria provided, single submitter. Criteria: GeneDx Variant Classification Process June 2021. Collection method: clinical testing. Allele origin: germline.
Comment: Not observed at significant frequency in large population cohorts (gnomAD); In silico analysis supports that this missense variant has a deleterious effect on protein structure/function; Has not been previously published as pathogenic or benign to our knowledge; This variant is associated with the following publications: (PMID: 25486365, 2121369, 22807134)

PreventionGenetics, part of Exact Sciences
Classification: Uncertain significance for NF1-related condition. Last evaluated: 2025-08-26. Review status: criteria provided, single submitter. Criteria: ACMG Guidelines, 2015. Collection method: clinical testing. Allele origin: germline.
Comment: The NF1 c.3451A>G variant is predicted to result in the amino acid substitution p.Asn1151Asp. To our knowledge, this variant has not been reported in the literature or in a large population database (gnomAD), indicating this variant is rare. At this time, the clinical significance of this variant is uncertain due to the absence of conclusive functional and genetic evidence.

Labcorp Genetics (formerly Invitae), Labcorp
Classification: Uncertain significance for Neurofibromatosis, type 1. Last evaluated: 2025-06-18. Review status: criteria provided, single submitter. Criteria: Invitae Variant Classification Sherloc (09022015). Collection method: clinical testing. Allele origin: germline.
Comment: This sequence change replaces asparagine, which is neutral and polar, with aspartic acid, which is acidic and polar, at codon 1151 of the NF1 protein (p.Asn1151Asp). This variant is not present in population databases (gnomAD no frequency). This variant has not been reported in the literature in individuals affected with NF1-related conditions. ClinVar contains an entry for this variant (Variation ID: 579312). Invitae Evidence Modeling of protein sequence and biophysical properties (such as structural, functional, and spatial information, amino acid conservation, physicochemical variation, residue mobility, and thermodynamic stability) indicates that this missense variant is expected to disrupt NF1 protein function with a positive predictive value of 95%. In summary, the available evidence is currently insufficient to determine the role of this variant in disease. Therefore, it has been classified as a Variant of Uncertain Significance.

Ambry Genetics
Classification: Uncertain significance for Cardiovascular phenotype; Hereditary cancer-predisposing syndrome. Last evaluated: 2025-03-25. Review status: criteria provided, single submitter. Criteria: Ambry Variant Classification Scheme 2023. Collection method: clinical testing. Allele origin: germline.
Comment: The p.N1151D variant (also known as c.3451A>G), located in coding exon 26 of the NF1 gene, results from an A to G substitution at nucleotide position 3451. The asparagine at codon 1151 is replaced by aspartic acid, an amino acid with highly similar properties. This amino acid position is conserved. In addition, this alteration is predicted to be tolerated by in silico analysis. Based on the available evidence, the clinical significance of this variant remains unclear.

NM_001042492.3(NF1):c.3451A>G (p.Asn1151Asp)

Gene: NF1 (neurofibromin 1; plus strand). Cytogenetic location: 17q11.2.
Variant type: single nucleotide variant.
Coding change: c.3451A>G on transcript NM_001042492.3 (MANE Select); coding-DNA position 3451, A replaced by G.
Protein change: p.Asn1151Asp; replaces asparagine 1151 with aspartic acid.
Molecular consequence: missense variant.
Genome position (GRCh38, 1-based): chr17:31,232,836, A>G. VCF-style: chr17-31232836-A-G. GRCh37 (hg19) VCF-style: chr17-29559854-A-G.
Other names: c.3451A>G, p.Asn1151Asp (NM_000267.4); short protein forms N1151D.
Identifiers: ClinVar variation 579312 (VCV000579312.11), dbSNP rs1567851125, ClinGen allele CA398989319.